The following is an entry in ClinVar:

NM_000540.3(RYR1):c.10165G>A (p.Glu3389Lys)

Gene: RYR1 (ryanodine receptor 1; plus strand). Cytogenetic location: 19q13.2.
Variant type: single nucleotide variant.
Coding change: c.10165G>A on transcript NM_000540.3 (MANE Select); coding-DNA position 10165, G replaced by A.
Protein change: p.Glu3389Lys; replaces glutamic acid 3389 with lysine.
Molecular consequence: missense variant.
Genome position (GRCh38, 1-based): chr19:38,519,360, G>A. VCF-style: chr19-38519360-G-A. GRCh37 (hg19) VCF-style: chr19-39010000-G-A.
Other names: c.10165G>A, p.Glu3389Lys (NM_001042723.2); short protein forms E3389K.
Identifiers: ClinVar variation 5028646 (VCV005028646.1).

ClinVar aggregate classification (germline): Uncertain significance (1 of 4 stars; one submission).

Conditions:
Inborn genetic diseases. Identifiers: MedGen C0950123, MeSH D030342.

Submission:

Ambry Genetics
Classification: Uncertain significance for Inborn genetic diseases. Last evaluated: 2026-07-07. Review status: criteria provided, single submitter. Criteria: Ambry Variant Classification Scheme 2023. Collection method: clinical testing. Allele origin: germline.
Comment: The p.E3389K variant (also known as c.10165G>A), located in coding exon 67 of the RYR1 gene, results from a G to A substitution at nucleotide position 10165. The glutamic acid at codon 3389 is replaced by lysine, an amino acid with similar properties. This amino acid position is conserved. In addition, the in silico prediction for this alteration is inconclusive. Based on the available evidence, the clinical significance of this variant remains unclear.